The following is an entry in ClinVar:

NM_001130144.3(LTBP3):c.1111C>G (p.Leu371Val)

Gene: LTBP3 (latent transforming growth factor beta binding protein 3; minus strand). Cytogenetic location: 11q13.1.
Variant type: single nucleotide variant.
Coding change: c.1111C>G on transcript NM_001130144.3 (MANE Select); coding-DNA position 1111, C replaced by G.
Protein change: p.Leu371Val; replaces leucine 371 with valine.
Molecular consequence: missense variant.
Genome position (GRCh38, 1-based): chr11:65,552,935, G>C on the plus strand (C>G on the coding strand, the complement: LTBP3 is on the minus strand). VCF-style: chr11-65552935-G-C. GRCh37 (hg19) VCF-style: chr11-65320406-G-C.
Other names: c.760C>G, p.Leu254Val (NM_001164266.1); c.1111C>G, p.Leu371Val (NM_021070.4); short protein forms L371V, L254V.
Identifiers: ClinVar variation 1795273 (VCV001795273.2), dbSNP rs2496172091, ClinGen allele CA381274338.

ClinVar aggregate classification (germline): Uncertain significance (1 of 4 stars; one submission).

Conditions:
Inborn genetic diseases. Identifiers: MedGen C0950123, MeSH D030342.

Submission:

Ambry Genetics
Classification: Uncertain significance for Inborn genetic diseases. Last evaluated: 2022-01-02. Review status: criteria provided, single submitter. Criteria: Ambry Variant Classification Scheme 2023. Collection method: clinical testing. Allele origin: germline.
Comment: The p.L371V variant (also known as c.1111C>G), located in coding exon 6 of the LTBP3 gene, results from a C to G substitution at nucleotide position 1111. The leucine at codon 371 is replaced by valine, an amino acid with highly similar properties. This amino acid position is conserved. In addition, this alteration is predicted to be tolerated by in silico analysis. Since supporting evidence is limited at this time, the clinical significance of this alteration remains unclear.